The following is an entry in ClinVar:

NM_014727.3(KMT2B):c.6610A>G (p.Met2204Val)

Gene: KMT2B (lysine methyltransferase 2B; plus strand). Cytogenetic location: 19q13.12.
Variant type: single nucleotide variant.
Coding change: c.6610A>G on transcript NM_014727.3 (MANE Select); coding-DNA position 6610, A replaced by G.
Protein change: p.Met2204Val; replaces methionine 2204 with valine.
Molecular consequence: missense variant.
Genome position (GRCh38, 1-based): chr19:35,733,159, A>G. VCF-style: chr19-35733159-A-G. GRCh37 (hg19) VCF-style: chr19-36224060-A-G.
Other names: short protein forms M2204V.
Identifiers: ClinVar variation 5002602 (VCV005002602.1).

ClinVar aggregate classification (germline): Uncertain significance (1 of 4 stars; one submission).

Conditions:
KMT2B-related disorder. Also called: KMT2B-related condition; KMT2B-related disorders. Identifiers: MedGen CN381338.

Submission:

PreventionGenetics, part of Exact Sciences
Classification: Uncertain significance for KMT2B-related condition. Last evaluated: 2025-08-08. Review status: criteria provided, single submitter. Criteria: ACMG Guidelines, 2015. Collection method: clinical testing. Allele origin: germline.
Comment: The KMT2B c.6610A>G variant is predicted to result in the amino acid substitution p.Met2204Val. To our knowledge, this variant has not been reported in the literature or in a large population database (gnomAD), indicating this variant is rare. At this time, the clinical significance of this variant is uncertain due to the absence of conclusive functional and genetic evidence.